The following is an entry in ClinVar:

ClinVar aggregate classification (germline): Uncertain significance. Review status: criteria provided, multiple submitters, no conflicts (2 of 4 stars). 5 submissions from 5 submitters: Uncertain significance (5). Last evaluated 2023-12-04.

Conditions:
Microcephaly 6, primary, autosomal recessive. Identifiers: Orphanet 2512, MedGen C1842109, MONDO:0012029, OMIM 608393.
Seckel syndrome 4 (SCKL4). Identifiers: Orphanet 808, MedGen C3888212, MONDO:0013358, OMIM 613676.

Submissions (5):

GeneDx
Classification: Uncertain significance. Last evaluated: 2023-12-04. Review status: criteria provided, single submitter. Criteria: GeneDx Variant Classification Process June 2021. Collection method: clinical testing. Allele origin: germline. Affected: yes.
Comment: Not observed in large population cohorts (gnomAD); In-frame deletion of 3 amino acids in a non-repeat region; In silico analysis supports a deleterious effect on protein structure/function; Has not been previously published as pathogenic or benign to our knowledge

Department of Pathology and Laboratory Medicine, Sinai Health System
Classification: Uncertain significance for Microcephaly 6, primary, autosomal recessive; Seckel syndrome 4. Last evaluated: 2022-03-02. Review status: criteria provided, single submitter. Criteria: ACMG Guidelines, 2015. Collection method: research. Allele origin: germline.

Eurofins Ntd Llc (ga)
Classification: Uncertain significance. Last evaluated: 2017-08-23. Review status: criteria provided, single submitter. Criteria: EGL Classification Definitions 2015. Collection method: clinical testing. Allele origin: germline. Observed: 2 variant alleles, 2 heterozygotes.

Genetic Services Laboratory, University of Chicago
Classification: Uncertain significance. Last evaluated: 2013-08-22. Review status: criteria provided, single submitter. Criteria: ACMG Guidelines, 2007. Collection method: clinical testing. Allele origin: germline.

Neuberg Centre For Genomic Medicine, NCGM
Classification: Uncertain significance for Microcephaly 6, primary, autosomal recessive. Review status: criteria provided, single submitter. Criteria: ACMG Guidelines, 2015. Collection method: clinical testing. Allele origin: germline. Inheritance: Autosomal recessive inheritance. Affected: yes.
Comment: The deletion insertion c.777_786delGTCTCCTAATinsC (p.Ser260_Asn262del) variant in the CENPJ gene has not been reported previously as a pathogenic variant nor as a benign variant, to our knowledge. This variant is absent in the gnomAD Exomes. It has been reported to the ClinVar database as uncertain significance. However no details are available for independent assessment. This variant causes deletion of amino acid Serine at position 260 and of Asparagine at position 262 respectively. For these reasons, this variant has been classified as Uncertain Significance. In the absence of another reportable variant, the molecular diagnosis is not confirmed.

NM_018451.5(CPAP):c.777_786delinsC (p.Ser260_Asn262del)

Gene: CPAP (centrosome assembly and centriole elongation protein; minus strand). Cytogenetic location: 13q12.13.
Variant type: Indel.
Coding change: c.777_786delinsC on transcript NM_018451.5 (MANE Select); coding-DNA positions 777 to 786, GTCTCCTAAT replaced by C.
Protein change: p.Ser260_Asn262del.
Molecular consequence: inframe deletion. On other transcripts: non-coding transcript variant (2).
Genome position (GRCh38, 1-based): chr13:24,909,869-24,909,878, ATTAGGAGAC replaced by G on the plus strand (GTCTCCTAAT replaced by C on the coding strand, the reverse complement: CPAP is on the minus strand). VCF-style: chr13-24909869-ATTAGGAGAC-G. GRCh37 (hg19) VCF-style: chr13-25484007-ATTAGGAGAC-G.
Other names: c.777_786delGTCTCCTAATinsC (NM_018451.5, NM_018451.3); c.777_786delinsC (NM_018451.3).
Identifiers: ClinVar variation 210669 (VCV000210669.15), dbSNP rs1555298479, ClinGen allele CA209730.